The following is an entry in ClinVar:

NM_001042681.2(RERE):c.3249dup (p.Ser1084fs)

Gene: RERE (arginine-glutamic acid dipeptide repeats; minus strand). Cytogenetic location: 1p36.23.
Variant type: Duplication.
Coding change: c.3249dup on transcript NM_001042681.2 (MANE Select); coding-DNA position 3249, one base duplicated (G; older notation c.3249dupG).
Protein change: p.Ser1084fs; shifts the reading frame from serine 1084.
Molecular consequence: frameshift variant.
Genome position (GRCh38, 1-based): chr1:8,360,258, C duplicated on the plus strand (G on the coding strand, the reverse complement: RERE is on the minus strand); the first of 7 consecutive C bases (chr1:8,360,258-8,360,264); duplicating any one gives the same sequence. VCF-style (leftmost placement, unchanged base first): chr1-8360257-A-AC. GRCh37 (hg19) VCF-style: chr1-8420317-A-AC.
Other names: c.1587dup, p.Ser530fs (NM_001042682.2); c.3249dup, p.Ser1084fs (NM_012102.4); c.3249dupG (NM_012102.3); short protein forms S530fs, S1084fs.
Identifiers: ClinVar variation 633541 (VCV000633541.10), dbSNP rs745806637, ClinGen allele CA521020056.

ClinVar aggregate classification (germline): Conflicting classifications of pathogenicity. Review status: criteria provided, conflicting classifications (1 of 4 stars). 4 submissions from 4 submitters: Pathogenic (2); Likely pathogenic (1); Uncertain significance (1). Last evaluated 2025-06-23.

Conditions:
Neurodevelopmental disorder with or without anomalies of the brain, eye, or heart (NEDBEH). Identifiers: Orphanet 494344, MedGen C5567477, MONDO:0014857, OMIM 616975.

Submissions (4):

GeneDx
Classification: Pathogenic. Last evaluated: 2025-06-23. Review status: criteria provided, single submitter. Criteria: GeneDx Variant Classification Process June 2021. Collection method: clinical testing. Allele origin: germline. Affected: yes.
Comment: Frameshift variant predicted to result in protein truncation or nonsense mediated decay in a gene for which loss-of-function is a known mechanism of disease; Has not been previously published as pathogenic or benign to our knowledge

Institute of Human Genetics, University of Leipzig Medical Center
Classification: Pathogenic for Neurodevelopmental disorder with or without anomalies of the brain, eye, or heart. Last evaluated: 2024-07-18. Review status: criteria provided, single submitter. Criteria: ACMG Guidelines, 2015. Collection method: clinical testing. Allele origin: unknown. Inheritance: Autosomal dominant inheritance. Affected: yes.
Comment: Criteria applied: PVS1,PS2_MOD,PS4_SUP

Equipe Genetique des Anomalies du Developpement, Université de Bourgogne
Classification: Likely pathogenic for Neurodevelopmental disorder with or without anomalies of the brain, eye, or heart. Last evaluated: 2023-10-11. Review status: criteria provided, single submitter. Criteria: ACMG Guidelines, 2015. Collection method: clinical testing. Allele origin: de novo. Affected: yes.

Laboratory of Molecular Genetics (Pr. Bezieau's lab), CHU de Nantes
Classification: Uncertain significance. Last evaluated: 2018-08-08. Review status: criteria provided, single submitter. Criteria: ACMG Guidelines, 2015. Collection method: clinical testing. Allele origin: germline. Affected: yes.